The following is an entry in ClinVar:

ClinVar aggregate classification (germline): Uncertain significance (1 of 4 stars; one submission).

Conditions:
Autosomal recessive limb-girdle muscular dystrophy type R18 (LGMDR18). Also called: Limb-girdle muscular dystrophy, type 2S; MUSCULAR DYSTROPHY, LIMB-GIRDLE, AUTOSOMAL RECESSIVE 18; Autosomal recessive limb-girdle muscular dystrophy type 2S. Identifiers: Orphanet 369840, MedGen C4517996, MONDO:0014144, OMIM 615356.

Allele frequency attached by ClinVar (database versions not stated): gnomAD exomes 0.00001 and 0.00002; ExAC 0.00003; TOPMed 0.00004; gnomAD 0.00005 and 0.00006; ESP Exome Variant Server 0.00008; 1000 Genomes Project 30x 0.00016; 1000 Genomes Project 0.00020.
gnomAD v4.1: 23 of 1,596,130 alleles (0.0014%); highest among the groups gnomAD compares: Middle Eastern, 0.017%; no homozygotes.

Submission:

Labcorp Genetics (formerly Invitae), Labcorp
Classification: Uncertain significance for Autosomal recessive limb-girdle muscular dystrophy type R18. Last evaluated: 2022-10-05. Review status: criteria provided, single submitter. Criteria: Invitae Variant Classification Sherloc (09022015). Collection method: clinical testing. Allele origin: germline.
Comment: This sequence change replaces alanine, which is neutral and non-polar, with threonine, which is neutral and polar, at codon 250 of the TRAPPC11 protein (p.Ala250Thr). This variant is present in population databases (rs368397954, gnomAD 0.03%). This variant has not been reported in the literature in individuals affected with TRAPPC11-related conditions. ClinVar contains an entry for this variant (Variation ID: 1040381). Advanced modeling of protein sequence and biophysical properties (such as structural, functional, and spatial information, amino acid conservation, physicochemical variation, residue mobility, and thermodynamic stability) performed at Invitae indicates that this missense variant is expected to disrupt TRAPPC11 protein function. In summary, the available evidence is currently insufficient to determine the role of this variant in disease. Therefore, it has been classified as a Variant of Uncertain Significance.

NM_021942.6(TRAPPC11):c.748G>A (p.Ala250Thr)

Gene: TRAPPC11 (trafficking protein particle complex subunit 11; plus strand). Cytogenetic location: 4q35.1.
Variant type: single nucleotide variant.
Coding change: c.748G>A on transcript NM_021942.6 (MANE Select); coding-DNA position 748, G replaced by A.
Protein change: p.Ala250Thr; replaces alanine 250 with threonine.
Molecular consequence: missense variant.
Genome position (GRCh38, 1-based): chr4:183,677,471, G>A. VCF-style: chr4-183677471-G-A. GRCh37 (hg19) VCF-style: chr4-184598624-G-A.
Other names: c.748G>A, p.Ala250Thr (NM_199053.3); short protein forms A250T.
Identifiers: ClinVar variation 1040381 (VCV001040381.9), dbSNP rs368397954, ClinGen allele CA3151699.